The following is an entry in ClinVar:

NM_001365902.3(NFIX):c.43_49dup (p.Glu17fs)

Gene: NFIX (nuclear factor I X; plus strand). Cytogenetic location: 19p13.13.
Variant type: Duplication.
Coding change: c.43_49dup on transcript NM_001365902.3 (MANE Select); coding-DNA positions 43 to 49, 7 bases duplicated (TTCATCG; older notation c.43_49dupTTCATCG).
Protein change: p.Glu17fs; shifts the reading frame from glutamic acid 17.
Molecular consequence: frameshift variant. On other transcripts: 5 prime UTR variant (1).
Genome position (GRCh38, 1-based): chr19:13,025,036-13,025,042, TTCATCG duplicated; duplicating any 7 consecutive bases within chr19:13,025,034-13,025,042 gives the same sequence; the c. name uses the placement nearest the transcript's 3' end. VCF-style (leftmost placement, unchanged base first): chr19-13025033-C-CCGTTCAT. GRCh37 (hg19) VCF-style: chr19-13135847-C-CCGTTCAT.
Other names: c.67_73dup, p.Glu25fs (NM_001271043.2); c.19_25dup, p.Glu9fs (NM_001271044.3, NM_001378404.1); c.43_49dup, p.Glu17fs (NM_001365982.2, NM_002501.4); c.-99_-93dup (NM_001365983.2); c.40_46dup, p.Glu16fs (NM_001365984.2, NM_001365985.2); c.91_97dup, p.Glu33fs (NM_001378405.1); short protein forms E25fs, E16fs, E9fs, E17fs, E33fs.
Identifiers: ClinVar variation 661035 (VCV000661035.41), dbSNP rs1599737421, ClinGen allele CA915952538.

ClinVar aggregate classification (germline): Pathogenic. Review status: criteria provided, multiple submitters, no conflicts (2 of 4 stars). 6 submissions from 6 submitters: Pathogenic (6). Last evaluated 2025-05-28.

Conditions:
Malan overgrowth syndrome (MALNS). Also called: Sotos syndrome 2; MALAN SYNDROME; NFIX-Related Malan Syndrome. Identifiers: Orphanet 420179, MedGen C3553660, MONDO:0013885, OMIM 614753.
Marshall-Smith syndrome (MRSHSS). Identifiers: Orphanet 561, MedGen C0265211, MONDO:0011244, OMIM 602535.
NFIX-related disorder. Also called: NFIX-related condition.

Submissions (6):

3billion
Classification: Pathogenic for NFIX-related disorder. Last evaluated: 2025-05-28. Review status: criteria provided, single submitter. Criteria: ACMG Guidelines, 2015. Collection method: clinical testing. Allele origin: germline. Affected: yes.
Comment: The variant is not observed in the gnomAD v4.1.0 dataset. Predicted Consequence/Location: Frameshift: predicted to result in a loss or disruption of normal protein function through nonsense-mediated decay (NMD) or protein truncation. Multiple pathogenic variants are reported downstream of the variant. The variant has been reported at least twice as pathogenic with clinical assertions and evidence for the classification (ClinVar ID: VCV000661035 /PMID: 29897170). Therefore, this variant is classified as Pathogenic according to the recommendation of ACMG/AMP guideline.

Blueprint Genetics
Classification: Pathogenic for NFIX-related disorders. Last evaluated: 2024-02-26. Review status: criteria provided, single submitter. Criteria: ACMG Guidelines, 2015. Collection method: clinical testing. Allele origin: germline. Affected: yes. Observed: 1 variant allele.

CeGaT Center for Human Genetics Tuebingen
Classification: Pathogenic. Last evaluated: 2023-06-01. Review status: criteria provided, single submitter. Criteria: CeGaT Center For Human Genetics Tuebingen Variant Classification Criteria Version 2. Collection method: clinical testing. Allele origin: germline. Affected: yes. Observed: 1 variant allele.
Comment: NFIX: PVS1, PS2, PM2, PS4:Supporting

GeneDx
Classification: Pathogenic. Last evaluated: 2022-07-27. Review status: criteria provided, single submitter. Criteria: GeneDx Variant Classification Process June 2021. Collection method: clinical testing. Allele origin: germline. Affected: yes.
Comment: Frameshift variant predicted to result in protein truncation or nonsense mediated decay in a gene for which loss of function is a known mechanism of disease; Not observed at significant frequency in large population cohorts (gnomAD); Also known as c.43_49dup, p.(Glu17Valfs*31); This variant is associated with the following publications: (PMID: 31785789, 31278258, 29897170)

Labcorp Genetics (formerly Invitae), Labcorp
Classification: Pathogenic for Malan overgrowth syndrome; Marshall-Smith syndrome. Last evaluated: 2018-09-20. Review status: criteria provided, single submitter. Criteria: Invitae Variant Classification Sherloc (09022015). Collection method: clinical testing. Allele origin: germline.
Comment: This sequence change creates a premature translational stop signal (p.Glu25Valfs*31) in the NFIX gene. It is expected to result in an absent or disrupted protein product. This variant is not present in population databases (ExAC no frequency). This variant has not been reported in the literature in individuals with NFIX-related disease. Loss-of-function variants in NFIX are known to be pathogenic (PMID: 24924640, 20673863, 20949508, 25118028). For these reasons, this variant has been classified as Pathogenic.

Juno Genomics, Hangzhou Juno Genomics, Inc
Classification: Pathogenic for Malan overgrowth syndrome. Review status: criteria provided, single submitter. Criteria: ACMG Guidelines, 2015. Collection method: clinical testing. Allele origin: germline. Affected: yes.
Comment: Null variant in a gene where loss of function (LOF) is a known mechanism of disease.;Absent from controls (or at extremely low frequency if recessive) in Genome Aggregation Database, Exome Sequencing Project, 1000 Genomes Project, or Exome Aggregation Consortium.;The prevalence of the variant in affected individuals is significantly increased compared to the prevalence in controls.;Assumed de novo, but without confirmation of paternity and maternity.

Literature cited by the submitters: PubMed 29897170 (cited by 3billion); PubMed 24924640 (cited by Labcorp Genetics (formerly Invitae), Labcorp); PubMed 20673863 (cited by Labcorp Genetics (formerly Invitae), Labcorp); PubMed 20949508 (cited by Labcorp Genetics (formerly Invitae), Labcorp); PubMed 25118028 (cited by Labcorp Genetics (formerly Invitae), Labcorp).